The following is an entry in ClinVar:

ClinVar aggregate classification (germline): Pathogenic (1 of 4 stars; one submission).

Conditions:
Long QT syndrome 2 (LQT2). Identifiers: Orphanet 101016, Orphanet 768, MedGen C3150943, MONDO:0013367, OMIM 613688.

Submission:

MVZ Medizinische Genetik Mainz
Classification: Pathogenic for Long QT syndrome 2. Last evaluated: 2022-11-22. Review status: criteria provided, single submitter. Criteria: UK Practice Guidelines For Variant Classification V4 01 2020. Collection method: clinical testing. Allele origin: germline. Inheritance: Autosomal dominant inheritance. Affected: yes. Observed: 1 variant allele.
Comment: ACMG Criteria: PS1, PM1, PM2_SUP, PM5_SUP, PP2, PP3, PP4 (ACMG Version 4)

NM_000238.4(KCNH2):c.1863C>A (p.Ser621Arg)

Gene: KCNH2 (potassium voltage-gated channel subfamily H member 2; minus strand). Cytogenetic location: 7q36.1.
Variant type: single nucleotide variant.
Coding change: c.1863C>A on transcript NM_000238.4 (MANE Select); coding-DNA position 1863, C replaced by A.
Protein change: p.Ser621Arg; replaces serine 621 with arginine.
Molecular consequence: missense variant. On other transcripts: non-coding transcript variant (2).
Genome position (GRCh38, 1-based): chr7:150,951,530, G>T on the plus strand (C>A on the coding strand, the complement: KCNH2 is on the minus strand). VCF-style: chr7-150951530-G-T. GRCh37 (hg19) VCF-style: chr7-150648618-G-T.
Other names: c.843C>A, p.Ser281Arg (NM_001204798.2, NM_172057.3); c.1575C>A, p.Ser525Arg (NM_001406753.1, NM_001406756.1); c.1686C>A, p.Ser562Arg (NM_001406755.1); c.1563C>A, p.Ser521Arg (NM_001406757.1); c.1863C>A, p.Ser621Arg (NM_172056.3); short protein forms S281R, S521R, S525R, S562R, S621R.
Identifiers: ClinVar variation 3066169 (VCV003066169.1), dbSNP rs199472949, ClinGen allele CA369857928.